The following is an entry in ClinVar:

NM_000138.5(FBN1):c.6997+2T>C

Gene: FBN1 (fibrillin 1; minus strand). Cytogenetic location: 15q21.1.
Variant type: single nucleotide variant.
Coding change: c.6997+2T>C on transcript NM_000138.5 (MANE Select); the canonical splice donor site of the intron after coding-DNA position 6997, T replaced by C.
Molecular consequence: splice donor variant.
Genome position (GRCh38, 1-based): chr15:48,428,344, A>G on the plus strand (T>C on the coding strand, the complement: FBN1 is on the minus strand). VCF-style: chr15-48428344-A-G. GRCh37 (hg19) VCF-style: chr15-48720541-A-G.
Other names: c.6997+2T>C (NM_001406716.1).
Identifiers: ClinVar variation 430009 (VCV000430009.1), dbSNP rs1131691730, ClinGen allele CA392330386.

ClinVar aggregate classification (germline): Pathogenic (1 of 4 stars; one submission).

Submission:

GeneDx
Classification: Pathogenic. Last evaluated: 2015-09-27. Review status: criteria provided, single submitter. Criteria: GeneDx Variant Classification (06012015). Collection method: clinical testing. Allele origin: germline. Affected: yes.
Comment: The c.6997+2T>C pathogenic variant in the FBN1 gene has not been reported previously as a pathogenic variant nor as a benign variant, to our knowledge. This splice site variant destroys the canonical splice donor site in intron 57. It is predicted to cause abnormal gene splicing, either leading to an abnormal message that is subject to nonsense-mediated mRNA decay, or to an abnormal protein product if the message is used for protein translation. The c.6997+2T>C variant was not observed in approximately 6500 individuals of European and African American ancestry in the NHLBI Exome Sequencing Project, indicating it is not a common benign variant in these populations. Pathogenic variants involving the intron 57 splice donor site (c.6997+1G>A, c.6997+4A>G, c.6997+5G>A) have been previously reported in the Human Gene Mutation Database in association with Marfan syndrome (Stenson et al., 2014), supporting the importance of this region of the gene. We interpret c.6997+2T>C as a pathogenic variant.